The following is an entry in ClinVar:

NM_001267550.2(TTN):c.17183-9T>C

Genes: TTN (titin; minus strand), LOC126806431 (CDK7 strongly-dependent group 2 enhancer GRCh37_chr2:179595719-179596918; plus strand). Cytogenetic location: 2q31.2.
Variant type: single nucleotide variant.
Coding change: c.17183-9T>C on transcript NM_001267550.2 (MANE Select); 9 bases into the intron before coding-DNA position 17183, T replaced by C.
Molecular consequence: intron variant.
Genome position (GRCh38, 1-based): chr2:178,731,592, A>G on the plus strand (T>C on the coding strand, the complement: TTN is on the minus strand). VCF-style: chr2-178731592-A-G. GRCh37 (hg19) VCF-style: chr2-179596319-A-G.
Other names: p.?; c.13282+6490T>C (NM_003319.4); c.13858+6490T>C (NM_133437.4); c.13657+6490T>C (NM_133432.3); c.13451-9T>C (NM_133378.4); c.16232-9T>C (NM_001256850.1).
Identifiers: ClinVar variation 46623 (VCV000046623.38), dbSNP rs141687561, ClinGen allele CA232536.
Genomic context (GRCh38, chr2:178,731,592, plus strand): 5'-CCTCCCCGGAGGGAGCTGGTACTCTCGATCTTCTTTATGAAGGATGGGGGTTCTAACAGA[A>G]GAATGAATTCTCAATCAATATTATCCCTATAGCAAAAGTGGCTTAAAAAAAAGAATTGAC-3'

ClinVar aggregate classification (germline): Conflicting classifications of pathogenicity. Review status: criteria provided, conflicting classifications (1 of 4 stars). 20 submissions from 16 submitters: Uncertain significance (3); Benign (5); Likely benign (6). 6 of the submissions do not count toward it. Last evaluated 2026-02-04.

Conditions:
Autosomal recessive limb-girdle muscular dystrophy type 2J (LGMDR10). Also called: Limb-girdle muscular dystrophy, type 2J; MUSCULAR DYSTROPHY, LIMB-GIRDLE, AUTOSOMAL RECESSIVE 10. Identifiers: Orphanet 140922, MedGen C1837342, MONDO:0012127, OMIM 608807.
Dilated cardiomyopathy 1G (CMD1G). Identifiers: Orphanet 154, MedGen C1858763, MONDO:0011400, OMIM 604145.
Early-onset myopathy with fatal cardiomyopathy (CMYO5). Also called: Salih Myopathy; CONGENITAL MYOPATHY 5 WITH CARDIOMYOPATHY. Identifiers: Orphanet 289377, MedGen C2673677, MONDO:0012714, OMIM 611705. Disease mechanism: loss of function.
Myopathy, myofibrillar, 9, with early respiratory failure (MFM9). Also called: Hereditary myopathy with early respiratory failure; EDSTROM MYOPATHY; MYOPATHY, PROXIMAL, WITH EARLY RESPIRATORY MUSCLE INVOLVEMENT; Myopathy, distal, with early respiratory failure, autosomal dominant. Identifiers: Orphanet 178464, Orphanet 34521, MedGen C1863599, MONDO:0011362, OMIM 603689.
Tibial muscular dystrophy (TMD). Also called: UDD MYOPATHY; Udd Distal Myopathy – Tibial Muscular Dystrophy; Tibial muscular dystrophy, tardive. Identifiers: Orphanet 609, MedGen C1838244, MONDO:0010870, OMIM 600334.

Allele frequency attached by ClinVar (database versions not stated): 1000 Genomes Project 0.00100; 1000 Genomes Project 30x 0.00109; gnomAD exomes 0.00133 and 0.00293; ExAC 0.00141; TOPMed 0.00146; ESP Exome Variant Server 0.00194.
gnomAD v4.1: 4,400 of 1,585,410 alleles (0.28%); highest among the groups gnomAD compares: Non-Finnish European, 0.35%; 15 homozygotes.

Submissions (20):

Labcorp Genetics (formerly Invitae), Labcorp
Classification: Benign for Dilated cardiomyopathy 1G; Autosomal recessive limb-girdle muscular dystrophy type 2J. Last evaluated: 2026-02-04. Review status: criteria provided, single submitter. Criteria: Invitae Variant Classification Sherloc (09022015). Collection method: clinical testing. Allele origin: germline.

Molecular Diagnostic Laboratory for Inherited Cardiovascular Disease, Montreal Heart Institute
Classification: Likely benign. Last evaluated: 2025-04-09. Review status: criteria provided, single submitter. Criteria: ACMG Guidelines, 2015. Collection method: clinical testing. Allele origin: germline. Affected: no.

Mayo Clinic Laboratories, Mayo Clinic
Classification: Likely benign. Last evaluated: 2025-04-07. Review status: criteria provided, single submitter. Criteria: ACMG Guidelines, 2015. Collection method: clinical testing. Allele origin: germline. Observed: 12 variant alleles.
Comment: BS1, BP4, BP7

Blueprint Genetics
Classification: Likely benign. Last evaluated: 2024-11-21. Review status: criteria provided, single submitter. Criteria: ACMG Guidelines, 2015. Collection method: clinical testing. Allele origin: germline.

ARUP Laboratories, Molecular Genetics and Genomics, ARUP Laboratories
Classification: Likely benign. Last evaluated: 2024-08-22. Review status: criteria provided, single submitter. Criteria: ARUP Molecular Germline Variant Investigation Process 2024. Collection method: clinical testing. Allele origin: germline.

Women's Health and Genetics/Laboratory Corporation of America, LabCorp
Classification: Benign. Last evaluated: 2020-08-31. Review status: criteria provided, single submitter. Criteria: LabCorp Variant Classification Summary - May 2015. Collection method: clinical testing. Allele origin: germline.
Comment: Variant summary: TTN c.13451-9T>C alters a conserved nucleotide located close to a canonical splice site and therefore could affect mRNA splicing, leading to a significantly altered protein sequence. 4/4 computational tools predict no significant impact on normal splicing. However, these predictions have yet to be confirmed by functional studies. The variant allele was found at a frequency of 0.0013 in 225412 control chromosomes. The observed variant frequency is approximately 3.4-fold the estimated maximal expected allele frequency for a pathogenic variant in TTN causing Dilated Cardiomyopathy phenotype (0.00039), strongly suggesting that the variant is benign. c.13451-9T>C has been reported in the literature in individuals affected with Dilated Cardiomyopathy (example-Pugh_2014). This report does not provide unequivocal conclusions about association of the variant with Dilated Cardiomyopathy. To our knowledge, no experimental evidence demonstrating an impact on protein function has been reported. Five clinical diagnostic laboratories have submitted clinical-significance assessments for this variant to ClinVar after 2014 without evidence for independent evaluation, citing the variant as benign/likely benign (n=4) and uncertain significance (n=1). Based on the evidence outlined above, the variant was classified as benign.

Illumina Laboratory Services, Illumina
Classification: Uncertain significance for Autosomal recessive limb-girdle muscular dystrophy type 2J. Last evaluated: 2018-01-13. Review status: criteria provided, single submitter. Criteria: ICSL Variant Classification Criteria 13 December 2019. Collection method: clinical testing. Allele origin: germline.

Illumina Laboratory Services, Illumina
Classification: Benign for Myopathy, myofibrillar, 9, with early respiratory failure. Last evaluated: 2018-01-13. Review status: criteria provided, single submitter. Criteria: ICSL Variant Classification Criteria 13 December 2019. Collection method: clinical testing. Allele origin: germline.
Comment: This variant was observed in the ICSL laboratory as part of a predisposition screen in an ostensibly healthy population. It had not been previously curated by ICSL or reported in the Human Gene Mutation Database (HGMD: prior to June 1st, 2018), and was therefore a candidate for classification through an automated scoring system. Utilizing variant allele frequency, disease prevalence and penetrance estimates, and inheritance mode, an automated score was calculated to assess if this variant is too frequent to cause the disease. Based on the score and internal cut-off values, a variant classified as benign is not then subjected to further curation. The score for this variant resulted in a classification of benign for this disease.

Illumina Laboratory Services, Illumina
Classification: Benign for Tibial muscular dystrophy. Last evaluated: 2018-01-13. Review status: criteria provided, single submitter. Criteria: ICSL Variant Classification Criteria 13 December 2019. Collection method: clinical testing. Allele origin: germline.
Comment: the same text as in the submission from Illumina Laboratory Services, Illumina above.

Illumina Laboratory Services, Illumina
Classification: Uncertain significance for Dilated cardiomyopathy 1G. Last evaluated: 2018-01-13. Review status: criteria provided, single submitter. Criteria: ICSL Variant Classification Criteria 13 December 2019. Collection method: clinical testing. Allele origin: germline.

Illumina Laboratory Services, Illumina
Classification: Uncertain significance for Early-onset myopathy with fatal cardiomyopathy. Last evaluated: 2018-01-13. Review status: criteria provided, single submitter. Criteria: ICSL Variant Classification Criteria 13 December 2019. Collection method: clinical testing. Allele origin: germline.

Laboratory for Molecular Medicine, Mass General Brigham Personalized Medicine
Classification: Likely benign. Last evaluated: 2016-11-15. Review status: criteria provided, single submitter. Criteria: LMM Criteria. Collection method: clinical testing. Allele origin: germline. Observed: 10 variant alleles.
Comment: c.13451-9T>C in intron 55 of TTN: This variant is not expected to have clinical significance because a T>C change at this position does not diverge from the spl ice consensus sequence and is therefore unlikely to impact splicing. In addition , this variant has been identified in 0.2% (144/64702) of European chromosomes b y the Exome Aggregation Consortium (ExAC; dbSNP rs141687561).

Eurofins Ntd Llc (ga)
Classification: Likely benign. Last evaluated: 2015-08-07. Review status: criteria provided, single submitter. Criteria: EGL Classification Definitions 2015. Collection method: clinical testing. Allele origin: germline. Observed: 1 variant allele, 1 heterozygote.

GeneDx
Classification: Benign. Last evaluated: 2014-04-09. Review status: criteria provided, single submitter. Criteria: GeneDx Variant Classification (06012015). Collection method: clinical testing. Allele origin: germline. Affected: yes.
Comment: This variant is considered likely benign or benign based on one or more of the following criteria: it is a conservative change, it occurs at a poorly conserved position in the protein, it is predicted to be benign by multiple in silico algorithms, and/or has population frequency not consistent with disease.

Clinical Genetics DNA and cytogenetics Diagnostics Lab, Erasmus MC, Erasmus Medical Center
Classification: Benign. Review status: no assertion criteria provided. Collection method: clinical testing. Allele origin: germline. Affected: yes. Study: VKGL Data-share Consensus. Not counted in ClinVar's aggregate classification.

Clinical Genetics, Academic Medical Center
Classification: Benign. Review status: no assertion criteria provided. Collection method: clinical testing. Allele origin: germline. Affected: yes. Study: VKGL Data-share Consensus. Not counted in ClinVar's aggregate classification.

Diagnostic Laboratory, Department of Genetics, University Medical Center Groningen
Classification: Likely benign. Review status: no assertion criteria provided. Collection method: clinical testing. Allele origin: germline. Affected: yes. Study: VKGL Data-share Consensus. Not counted in ClinVar's aggregate classification.

Genome Diagnostics Laboratory, University Medical Center Utrecht
Classification: Benign. Review status: no assertion criteria provided. Collection method: clinical testing. Allele origin: germline. Affected: yes. Study: VKGL Data-share Consensus. Not counted in ClinVar's aggregate classification.

Joint Genome Diagnostic Labs from Nijmegen and Maastricht, Radboudumc and MUMC+
Classification: Benign. Review status: no assertion criteria provided. Collection method: clinical testing. Allele origin: germline. Affected: yes. Study: VKGL Data-share Consensus. Not counted in ClinVar's aggregate classification.

Laboratory of Diagnostic Genome Analysis, Leiden University Medical Center (LUMC)
Classification: Likely benign. Review status: no assertion criteria provided. Collection method: clinical testing. Allele origin: germline. Affected: yes. Study: VKGL Data-share Consensus. Not counted in ClinVar's aggregate classification.

Literature cited by the submitters: PubMed 24503780 (cited by Women's Health and Genetics/Laboratory Corporation of America, LabCorp and Laboratory for Molecular Medicine, Mass General Brigham Personalized Medicine).